The following is an entry in ClinVar:

NM_001876.4(CPT1A):c.1493del (p.Tyr498fs)

Gene: CPT1A (carnitine palmitoyltransferase 1A; minus strand). Cytogenetic location: 11q13.3.
Variant type: Deletion.
Coding change: c.1493del on transcript NM_001876.4 (MANE Select); coding-DNA position 1493, one base deleted (A; older notation c.1493delA).
Protein change: p.Tyr498fs; shifts the reading frame from tyrosine 498.
Molecular consequence: frameshift variant.
Genome position (GRCh38, 1-based): chr11:68,775,398, T deleted on the plus strand (A on the coding strand, the reverse complement: CPT1A is on the minus strand). VCF-style (leftmost placement, unchanged base first): chr11-68775397-AT-A. GRCh37 (hg19) VCF-style: chr11-68542865-AT-A.
Other names: c.1493del, p.Tyr498fs (NM_001031847.3); short protein forms Y498fs.
Identifiers: ClinVar variation 1996250 (VCV001996250.4), dbSNP rs2495560443, ClinGen allele CA2580084777.

ClinVar aggregate classification (germline): Pathogenic (1 of 4 stars; one submission).

Conditions:
Carnitine palmitoyl transferase 1A deficiency. Also called: Carnitine palmitoyltransferase 1A deficiency; Carnitine palmitoyltransferase type I deficiency; CPT deficiency, hepatic, type IA; CPT I DEFICIENCY; CPT DEFICIENCY, HEPATIC, TYPE I. Identifiers: Orphanet 156, MedGen C1829703, MONDO:0009705, OMIM 255120.

Submission:

Labcorp Genetics (formerly Invitae), Labcorp
Classification: Pathogenic for Carnitine palmitoyl transferase 1A deficiency. Last evaluated: 2022-10-05. Review status: criteria provided, single submitter. Criteria: Invitae Variant Classification Sherloc (09022015). Collection method: clinical testing. Allele origin: germline.
Comment: For these reasons, this variant has been classified as Pathogenic. This variant has not been reported in the literature in individuals affected with CPT1A-related conditions. This variant is not present in population databases (gnomAD no frequency). This sequence change creates a premature translational stop signal (p.Tyr498Leufs*33) in the CPT1A gene. It is expected to result in an absent or disrupted protein product. Loss-of-function variants in CPT1A are known to be pathogenic (PMID: 16169268).

Literature cited by the submitters: PubMed 16169268.